The following is an entry in ClinVar:

ClinVar aggregate classification (germline): Uncertain significance (1 of 4 stars; one submission).

Conditions:
Cohen syndrome (COH1). Also called: PEPPER SYNDROME; Cutis verticis gyrata, retinitis pigmentosa, and sensorineural deafness. Identifiers: Orphanet 193, MedGen C0265223, MONDO:0008999, OMIM 216550.

Submission:

Labcorp Genetics (formerly Invitae), Labcorp
Classification: Uncertain significance for Cohen syndrome. Last evaluated: 2022-08-10. Review status: criteria provided, single submitter. Criteria: Invitae Variant Classification Sherloc (09022015). Collection method: clinical testing. Allele origin: germline.
Comment: This variant is not present in population databases (gnomAD no frequency). In summary, the available evidence is currently insufficient to determine the role of this variant in disease. Therefore, it has been classified as a Variant of Uncertain Significance. Variants that disrupt the consensus splice site are a relatively common cause of aberrant splicing (PMID: 17576681, 9536098). Algorithms developed to predict the effect of sequence changes on RNA splicing suggest that this variant is not likely to affect RNA splicing. This variant has not been reported in the literature in individuals affected with VPS13B-related conditions. This sequence change falls in intron 16 of the VPS13B gene. It does not directly change the encoded amino acid sequence of the VPS13B protein. It affects a nucleotide within the consensus splice site.

Literature cited by the submitters: PubMed 17576681; PubMed 9536098.

NM_152564.5(VPS13B):c.2333+3A>G

Gene: VPS13B (vacuolar protein sorting 13 homolog B; plus strand). Cytogenetic location: 8q22.2.
Variant type: single nucleotide variant.
Coding change: c.2333+3A>G on transcript NM_152564.5 (MANE Select); 3 bases into the intron after coding-DNA position 2333, A replaced by G.
Molecular consequence: intron variant.
Genome position (GRCh38, 1-based): chr8:99,170,166, A>G. VCF-style: chr8-99170166-A-G. GRCh37 (hg19) VCF-style: chr8-100182394-A-G.
Other names: c.2333+3A>G (NM_017890.5, NM_015243.3).
Identifiers: ClinVar variation 2040268 (VCV002040268.4), dbSNP rs2488877930, ClinGen allele CA2580079107.